The following is an entry in ClinVar:

NM_004991.4(MECOM):c.2131C>T (p.Pro711Ser)

Gene: MECOM (MDS1 and EVI1 complex locus; minus strand). Cytogenetic location: 3q26.2.
Variant type: single nucleotide variant.
Coding change: c.2131C>T on transcript NM_004991.4 (MANE Select); coding-DNA position 2131, C replaced by T.
Protein change: p.Pro711Ser; replaces proline 711 with serine.
Molecular consequence: missense variant.
Genome position (GRCh38, 1-based): chr3:169,115,741, G>A on the plus strand (C>T on the coding strand, the complement: MECOM is on the minus strand). VCF-style: chr3-169115741-G-A. GRCh37 (hg19) VCF-style: chr3-168833529-G-A.
Other names: c.1567C>T, p.Pro523Ser (NM_001366472.2, NM_005241.4, NM_001105078.4 and 4 more transcripts); c.1159C>T, p.Pro387Ser (NM_001366473.2); c.595C>T, p.Pro199Ser (NM_001366474.2); c.1762C>T, p.Pro588Ser (NM_001105077.4); c.1570C>T, p.Pro524Ser (NM_001163999.2, NM_001366467.2, NM_001366468.2 and 1 more transcripts); c.2131C>T, p.Pro711Ser (NM_001366466.2); short protein forms P387S, P199S, P524S, P588S, P523S, P711S.
Identifiers: ClinVar variation 4624623 (VCV004624623.1).

ClinVar aggregate classification (germline): Uncertain significance (1 of 4 stars; one submission).

Conditions:
Inborn genetic diseases. Identifiers: MedGen C0950123, MeSH D030342.

gnomAD v4.1: 2 of 1,614,180 alleles (0.00012%); highest among the groups gnomAD compares: Non-Finnish European, 0.00017%; no homozygotes.

Submission:

Ambry Genetics
Classification: Uncertain significance for Inborn genetic diseases. Last evaluated: 2025-10-03. Review status: criteria provided, single submitter. Criteria: Ambry Variant Classification Scheme 2023. Collection method: clinical testing. Allele origin: germline.
Comment: The p.P711S variant (also known as c.2131C>T), located in coding exon 8 of the MECOM gene, results from a C to T substitution at nucleotide position 2131. The proline at codon 711 is replaced by serine, an amino acid with similar properties. This amino acid position is conserved. In addition, this alteration is predicted to be tolerated by in silico analysis. Based on the available evidence, the clinical significance of this variant remains unclear.